The following is an entry in ClinVar:

ClinVar aggregate classification (germline): Uncertain significance (1 of 4 stars; one submission).

Conditions:
Osteogenesis imperfecta type I (OI1). Also called: Classic Non-deforming Osteogenesis Imperfecta with Blue Sclerae; Lobstein's Disease; Lobstein disease; OI, TYPE I; OSTEOGENESIS IMPERFECTA TARDA; OSTEOGENESIS IMPERFECTA WITH BLUE SCLERAE. Identifiers: Orphanet 216796, Orphanet 666, MedGen C0023931, MONDO:0008146, OMIM 166200. Disease mechanism: loss of function.

Submission:

Labcorp Genetics (formerly Invitae), Labcorp
Classification: Uncertain significance for Osteogenesis imperfecta type I. Last evaluated: 2025-01-06. Review status: criteria provided, single submitter. Criteria: Invitae Variant Classification Sherloc (09022015). Collection method: clinical testing. Allele origin: germline.
Comment: This sequence change affects codon 745 of the COL1A1 mRNA. It is a 'silent' change, meaning that it does not change the encoded amino acid sequence of the COL1A1 protein. It affects a nucleotide within the consensus splice site. This variant is not present in population databases (gnomAD no frequency). This variant has not been reported in the literature in individuals affected with COL1A1-related conditions. Algorithms developed to predict the effect of sequence changes on RNA splicing suggest that this variant is not likely to affect RNA splicing. In summary, the available evidence is currently insufficient to determine the role of this variant in disease. Therefore, it has been classified as a Variant of Uncertain Significance.

NM_000088.4(COL1A1):c.2235A>G (p.Arg745=)

Gene: COL1A1 (collagen type I alpha 1 chain; minus strand). Cytogenetic location: 17q21.33.
Variant type: single nucleotide variant.
Coding change: c.2235A>G on transcript NM_000088.4 (MANE Select); coding-DNA position 2235, A replaced by G.
Protein change: p.Arg745=; no amino-acid change (arginine 745 retained).
Molecular consequence: synonymous variant.
Genome position (GRCh38, 1-based): chr17:50,191,383, T>C on the plus strand (A>G on the coding strand, the complement: COL1A1 is on the minus strand). VCF-style: chr17-50191383-T-C. GRCh37 (hg19) VCF-style: chr17-48268744-T-C.
Identifiers: ClinVar variation 3626168 (VCV003626168.2).